The following is an entry in ClinVar:

NM_005585.5(SMAD6):c.1381C>G (p.Pro461Ala)

Gene: SMAD6 (SMAD family member 6; plus strand). Cytogenetic location: 15q22.31.
Variant type: single nucleotide variant.
Coding change: c.1381C>G on transcript NM_005585.5 (MANE Select); coding-DNA position 1381, C replaced by G.
Protein change: p.Pro461Ala; replaces proline 461 with alanine.
Molecular consequence: missense variant. On other transcripts: non-coding transcript variant (1).
Genome position (GRCh38, 1-based): chr15:66,781,425, C>G. VCF-style: chr15-66781425-C-G. GRCh37 (hg19) VCF-style: chr15-67073763-C-G.
Other names: short protein forms P461A.
Identifiers: ClinVar variation 4731211 (VCV004731211.1).

ClinVar aggregate classification (germline): Uncertain significance (1 of 4 stars; one submission).

Conditions:
Aortic valve disease 2 (AOVD2). Identifiers: MedGen C3542024, MONDO:0013902, OMIM 614823.

Submission:

Labcorp Genetics (formerly Invitae), Labcorp
Classification: Uncertain significance for Aortic valve disease 2. Last evaluated: 2025-12-23. Review status: criteria provided, single submitter. Criteria: Invitae Variant Classification Sherloc (09022015). Collection method: clinical testing. Allele origin: germline.
Comment: This sequence change replaces proline, which is neutral and non-polar, with alanine, which is neutral and non-polar, at codon 461 of the SMAD6 protein (p.Pro461Ala). This variant is present in population databases (no rsID available, gnomAD 0.01%). This variant has not been reported in the literature in individuals affected with SMAD6-related conditions. Invitae Evidence Modeling of protein sequence and biophysical properties (such as structural, functional, and spatial information, amino acid conservation, physicochemical variation, residue mobility, and thermodynamic stability) indicates that this missense variant is not expected to disrupt SMAD6 protein function with a negative predictive value of 80%. In summary, the available evidence is currently insufficient to determine the role of this variant in disease. Therefore, it has been classified as a Variant of Uncertain Significance.